The following is an entry in ClinVar:

NM_001614.5(ACTG1):c.499G>A (p.Glu167Lys)

Gene: ACTG1 (actin gamma 1; minus strand). Cytogenetic location: 17q25.3.
Variant type: single nucleotide variant.
Coding change: c.499G>A on transcript NM_001614.5 (MANE Select); coding-DNA position 499, G replaced by A.
Protein change: p.Glu167Lys; replaces glutamic acid 167 with lysine.
Molecular consequence: missense variant. On other transcripts: non-coding transcript variant (1).
Genome position (GRCh38, 1-based): chr17:81,511,491, C>T on the plus strand (G>A on the coding strand, the complement: ACTG1 is on the minus strand). VCF-style: chr17-81511491-C-T. GRCh37 (hg19) VCF-style: chr17-79478517-C-T.
Other names: c.499G>A, p.Glu167Lys (NM_001199954.3); short protein forms E167K.
Identifiers: ClinVar variation 4883425 (VCV004883425.2).

ClinVar aggregate classification (germline): Uncertain significance (1 of 4 stars; one submission).

Submission:

Dasa
Classification: Uncertain significance. Last evaluated: 2025-01-28. Review status: criteria provided, single submitter. Criteria: DASA Assertion Criteria. Collection method: clinical testing. Allele origin: germline.
Comment: NM_001614.5(ACTG1):c.499G>A (p.Glu167Lys) is a missense variant that results in the substitution of glutamic acid with lysine. This variant is absent from population databases. Computational prediction algorithms are consistent with a deleterious effect. The currently available literature and clinical evidence are not sufficient to establish a definitive association between this variant and the reported condition. Therefore, this variant is classified as a variant of uncertain significance.